The following is an entry in ClinVar:

ClinVar aggregate classification (germline): Likely benign (0 of 4 stars; one submission).

Conditions:
LINGO1-related disorder. Also called: LINGO1-related condition.

gnomAD v4.1: 24 of 1,440,468 alleles (0.0017%); highest among the groups gnomAD compares: Non-Finnish European, 0.0022%; no homozygotes.

Submission:

PreventionGenetics, part of Exact Sciences
Classification: Likely benign for LINGO1-related condition. Last evaluated: 2019-07-10. Review status: no assertion criteria provided. Collection method: clinical testing. Allele origin: germline.
Comment: This variant is classified as likely benign based on ACMG/AMP sequence variant interpretation guidelines (Richards et al. 2015 PMID: 25741868, with internal and published modifications).

NM_032808.7(LINGO1):c.-4C>A

Gene: LINGO1 (leucine rich repeat and Ig domain containing 1; minus strand). Cytogenetic location: 15q24.3.
Variant type: single nucleotide variant.
Coding change: c.-4C>A on transcript NM_032808.7 (MANE Select); 4 bases upstream of the start codon, C replaced by A.
Molecular consequence: 5 prime UTR variant. On other transcripts: intron variant (11).
Genome position (GRCh38, 1-based): chr15:77,632,319, G>T on the plus strand (C>A on the coding strand, the complement: LINGO1 is on the minus strand). VCF-style: chr15-77632319-G-T. GRCh37 (hg19) VCF-style: chr15-77924661-G-T.
Other names: c.-12-16419C>A (NM_001301186.2, NM_001301187.2, NM_001301189.2 and 8 more transcripts).
Identifiers: ClinVar variation 3049469 (VCV003049469.2), dbSNP rs765942091, ClinGen allele CA2189122458.